The following is an entry in ClinVar:

NM_001367721.1(CASK):c.1567_1572dup (p.Ile524_His525insMetIle)

Gene: CASK (calcium/calmodulin dependent serine protein kinase; minus strand). Cytogenetic location: Xp11.4.
Variant type: Duplication.
Coding change: c.1567_1572dup on transcript NM_001367721.1 (MANE Select); coding-DNA positions 1567 to 1572, 6 bases duplicated (ATGATT; older notation c.1567_1572dupATGATT).
Protein change: p.Ile524_His525insMetIle.
Molecular consequence: inframe insertion.
Genome position (GRCh38, 1-based): chrX:41,569,678-41,569,683, AATCAT duplicated on the plus strand (ATGATT on the coding strand, the reverse complement: CASK is on the minus strand). VCF-style (leftmost placement, unchanged base first): chrX-41569677-G-GAATCAT. GRCh37 (hg19) VCF-style: chrX-41428930-G-GAATCAT.
Other names: c.1567_1572dup, p.Ile524_His525insMetIle (NM_001126054.3, NM_003688.4); c.1549_1554dup, p.Ile518_His519insMetIle (NM_001126055.3, NM_001410745.1).
Identifiers: ClinVar variation 4854423 (VCV004854423.1).
Genomic context (GRCh38, chrX:41,569,677, plus strand): 5'-CAGGGAAAAAAAATTAAGGAAGGCAAAGAAAGAAATATATATGAAACTTACCTTGCCTGT[G>GAATCAT]AATCATGCCCCCATGCATAATTCTTGCAACAATACAATGATTTAGTTCATTCATTTTTAA-3'

ClinVar aggregate classification (germline): Uncertain significance (1 of 4 stars; one submission).

Conditions:
Syndromic X-linked intellectual disability Najm type (MICPCH). Also called: Intellectual Disability and Microcephaly with Pontine and Cerebellar Hypoplasia; Intellectual Disability and Microcephaly with Pontine and Cerebellar Hypoplasia (MICPCH); MICPCH SYNDROME; Intellectual developmental disorder and microcephaly with pontine and cerebellar hypoplasia; Mental retardation and microcephaly with pontine and cerebellar hypoplasia; MENTAL RETARDATION, X-LINKED, SYNDROMIC, NAJM TYPE. Identifiers: Orphanet 163937, MedGen C2677903, MONDO:0010417, OMIM 300749.

Submission:

3billion
Classification: Uncertain significance for Syndromic X-linked intellectual disability Najm type. Last evaluated: 2025-05-09. Review status: criteria provided, single submitter. Criteria: ACMG Guidelines, 2015. Collection method: clinical testing. Allele origin: germline. Affected: yes.
Comment: The variant is not observed in the gnomAD v4.1.0 dataset. Predicted Consequence/Location: Inframe insertion located in a nonrepeat region: predicted to change the length of the protein and disrupt normal protein function. Therefore, this variant is classified as VUS according to the recommendation of ACMG/AMP guideline.